The following is an entry in ClinVar:

ClinVar aggregate classification (germline): Uncertain significance (1 of 4 stars; one submission).

Conditions:
Hereditary spastic paraplegia 8 (SPG8). Also called: SPASTIC PARAPLEGIA 8, AUTOSOMAL DOMINANT. Identifiers: Orphanet 100989, MedGen C1863704, MONDO:0011339, OMIM 603563.
Ritscher-Schinzel syndrome. Also called: CRANIOCEREBELLOCARDIAC DYSPLASIA. Identifiers: Orphanet 7, MedGen C0796137, MONDO:0019078.

Allele frequency attached by ClinVar (database versions not stated): gnomAD exomes 0.00001.
gnomAD v4.1: 3 of 1,613,956 alleles (0.00019%); highest among the groups gnomAD compares: Middle Eastern, 0.033%; no homozygotes.

Submission:

Labcorp Genetics (formerly Invitae), Labcorp
Classification: Uncertain significance for Ritscher-Schinzel syndrome; Hereditary spastic paraplegia 8. Last evaluated: 2021-08-26. Review status: criteria provided, single submitter. Criteria: Invitae Variant Classification Sherloc (09022015). Collection method: clinical testing. Allele origin: germline.
Comment: This sequence change replaces isoleucine with valine at codon 991 of the WASHC5 protein (p.Ile991Val). The isoleucine residue is moderately conserved and there is a small physicochemical difference between isoleucine and valine. This variant is not present in population databases (ExAC no frequency). This variant has not been reported in the literature in individuals affected with WASHC5-related conditions. Algorithms developed to predict the effect of missense changes on protein structure and function (SIFT, PolyPhen-2, Align-GVGD) all suggest that this variant is likely to be tolerated. In summary, the available evidence is currently insufficient to determine the role of this variant in disease. Therefore, it has been classified as a Variant of Uncertain Significance.

NM_014846.4(WASHC5):c.2971A>G (p.Ile991Val)

Gene: WASHC5 (WASH complex subunit 5; minus strand). Cytogenetic location: 8q24.13.
Variant type: single nucleotide variant.
Coding change: c.2971A>G on transcript NM_014846.4 (MANE Select); coding-DNA position 2971, A replaced by G.
Protein change: p.Ile991Val; replaces isoleucine 991 with valine.
Molecular consequence: missense variant.
Genome position (GRCh38, 1-based): chr8:125,038,943, T>C on the plus strand (A>G on the coding strand, the complement: WASHC5 is on the minus strand). VCF-style: chr8-125038943-T-C. GRCh37 (hg19) VCF-style: chr8-126051185-T-C.
Other names: c.2527A>G, p.Ile843Val (NM_001330609.2); short protein forms I991V, I843V.
Identifiers: ClinVar variation 463139 (VCV000463139.7), dbSNP rs1554591077, ClinGen allele CA372184985.